The following is an entry in ClinVar:

NM_001142800.2(EYS):c.7140T>G (p.Cys2380Trp)

Gene: EYS (EGF-like photoreceptor maintenance factor; minus strand). Cytogenetic location: 6q12.
Variant type: single nucleotide variant.
Coding change: c.7140T>G on transcript NM_001142800.2 (MANE Select); coding-DNA position 7140, T replaced by G.
Protein change: p.Cys2380Trp; replaces cysteine 2380 with tryptophan.
Molecular consequence: missense variant.
Genome position (GRCh38, 1-based): chr6:63,864,274, A>C on the plus strand (T>G on the coding strand, the complement: EYS is on the minus strand). VCF-style: chr6-63864274-A-C. GRCh37 (hg19) VCF-style: chr6-64574167-A-C.
Other names: c.7140T>G, p.Cys2380Trp (NM_001292009.2); short protein forms C2380W.
Identifiers: ClinVar variation 2826419 (VCV002826419.3), dbSNP rs2532982599, ClinGen allele CA364386492.
Genomic context (GRCh38, chr6:63,864,274, plus strand): 5'-ATATGGGCAGAGGCAGACAATATCTGTTCCGGATTTTGGAACACAGGTGGCACCATTTCC[A>C]CATGGGTTGTTTTCACAACTTGCAAACTGGCACAGCTTGCCTGAATACAGCCTTGGACAC-3'
Protein context (NP_001136272.1, residues 2370-2390): CQFASCENNP[Cys2380Trp]GNGATCVPKS

ClinVar aggregate classification (germline): Uncertain significance (1 of 4 stars; one submission).

Submission:

Labcorp Genetics (formerly Invitae), Labcorp
Classification: Uncertain significance. Last evaluated: 2023-02-18. Review status: criteria provided, single submitter. Criteria: Invitae Variant Classification Sherloc (09022015). Collection method: clinical testing. Allele origin: germline.
Comment: In summary, the available evidence is currently insufficient to determine the role of this variant in disease. Therefore, it has been classified as a Variant of Uncertain Significance. This variant disrupts the p.Cys2380 amino acid residue in EYS. Other variant(s) that disrupt this residue have been observed in individuals with EYS-related conditions (PMID: 33576794), which suggests that this may be a clinically significant amino acid residue. Advanced modeling of protein sequence and biophysical properties (such as structural, functional, and spatial information, amino acid conservation, physicochemical variation, residue mobility, and thermodynamic stability) has been performed at Invitae for this missense variant, however the output from this modeling did not meet the statistical confidence thresholds required to predict the impact of this variant on EYS protein function. This missense change has been observed in individual(s) with cone rod dystropy (Invitae). This variant is not present in population databases (gnomAD no frequency). This sequence change replaces cysteine, which is neutral and slightly polar, with tryptophan, which is neutral and slightly polar, at codon 2380 of the EYS protein (p.Cys2380Trp).

Literature cited by the submitters: PubMed 33576794.